The following is an entry in ClinVar:

ClinVar aggregate classification (germline): Uncertain significance (1 of 4 stars; one submission).

Conditions:
Sulfite oxidase deficiency. Also called: Isolated sulfite oxidase deficiency. Identifiers: Orphanet 833, Orphanet 99731, MedGen C0268624, MONDO:0010089, OMIM 272300, HP:0003643.

Allele frequency attached by ClinVar (database versions not stated): gnomAD exomes below 0.00001 and 0.00001; TOPMed below 0.00001; ExAC 0.00001; gnomAD 0.00001.
gnomAD v4.1: 22 of 1,613,888 alleles (0.0014%); highest among the groups gnomAD compares: South Asian, 0.0044%; no homozygotes.

Submission:

Labcorp Genetics (formerly Invitae), Labcorp
Classification: Uncertain significance for Sulfite oxidase deficiency. Last evaluated: 2021-12-19. Review status: criteria provided, single submitter. Criteria: Invitae Variant Classification Sherloc (09022015). Collection method: clinical testing. Allele origin: germline.
Comment: This sequence change replaces glycine, which is neutral and non-polar, with glutamic acid, which is acidic and polar, at codon 236 of the SUOX protein (p.Gly236Glu). This variant is present in population databases (rs767216746, gnomAD 0.0009%). This variant has not been reported in the literature in individuals affected with SUOX-related conditions. Algorithms developed to predict the effect of missense changes on protein structure and function are either unavailable or do not agree on the potential impact of this missense change (SIFT: "Tolerated"; PolyPhen-2: "Probably Damaging"; Align-GVGD: "Class C0"). In summary, the available evidence is currently insufficient to determine the role of this variant in disease. Therefore, it has been classified as a Variant of Uncertain Significance.

NM_001032386.2(SUOX):c.707G>A (p.Gly236Glu)

Gene: SUOX (sulfite oxidase; plus strand). Cytogenetic location: 12q13.2.
Variant type: single nucleotide variant.
Coding change: c.707G>A on transcript NM_001032386.2 (MANE Select); coding-DNA position 707, G replaced by A.
Protein change: p.Gly236Glu; replaces glycine 236 with glutamic acid.
Molecular consequence: missense variant.
Genome position (GRCh38, 1-based): chr12:56,004,096, G>A. VCF-style: chr12-56004096-G-A. GRCh37 (hg19) VCF-style: chr12-56397880-G-A.
Other names: c.707G>A, p.Gly236Glu (NM_000456.3, NM_001032387.2); short protein forms G236E.
Identifiers: ClinVar variation 1488522 (VCV001488522.6), dbSNP rs767216746, ClinGen allele CA6621031.